The following is an entry in ClinVar:

NM_213599.3(ANO5):c.1332+2T>C

Gene: ANO5 (anoctamin 5; plus strand). Cytogenetic location: 11p14.3.
Variant type: single nucleotide variant.
Coding change: c.1332+2T>C on transcript NM_213599.3 (MANE Select); the canonical splice donor site of the intron after coding-DNA position 1332, T replaced by C.
Molecular consequence: splice donor variant.
Genome position (GRCh38, 1-based): chr11:22,255,524, T>C. VCF-style: chr11-22255524-T-C. GRCh37 (hg19) VCF-style: chr11-22277070-T-C.
Other names: c.1254+2T>C (NM_001441294.1); c.1212+2T>C (NM_001441297.1); c.1251+2T>C (NM_001441295.1); c.1290+2T>C (NM_001410963.1, NM_001441300.1); c.1176+2T>C (NM_001441298.1); c.1329+2T>C (NM_001142649.2); c.1287+2T>C (NM_001410964.1, NM_001441301.1); c.1173+2T>C (NM_001441299.1); and 1 more.
Identifiers: ClinVar variation 4786475 (VCV004786475.1).
Genomic context (GRCh38, chr11:22,255,524, plus strand): 5'-AGCTGAGACCAGAATTTGAAGCTATGTGTAAACACAGGAAATTGAATGCAGTGACTAAGG[T>C]AGACTAGAAAACTGTGAAACGGACAGCATATCTCAATGGACACACTGCTATAGGTTTCTT-3'

ClinVar aggregate classification (germline): Likely pathogenic (1 of 4 stars; one submission).

Conditions:
Gnathodiaphyseal dysplasia (GDD). Also called: GNATHODIAPHYSEAL SCLEROSIS; OSTEOGENESIS IMPERFECTA WITH UNUSUAL SKELETAL LESIONS. Identifiers: Orphanet 53697, MedGen C1833736, MONDO:0008151, OMIM 166260.
Autosomal recessive limb-girdle muscular dystrophy type 2L (LGMDR12). Also called: Limb-girdle muscular dystrophy, type 2L; MUSCULAR DYSTROPHY, LIMB-GIRDLE, AUTOSOMAL RECESSIVE 12; Limb-Girdle Muscular Dystrophy R12 Anoctamin-5-Related (LGMD-R12). Identifiers: Orphanet 206549, MedGen C1969785, MONDO:0012652, OMIM 611307.

Submission:

Labcorp Genetics (formerly Invitae), Labcorp
Classification: Likely pathogenic for Autosomal recessive limb-girdle muscular dystrophy type 2L; Gnathodiaphyseal dysplasia. Last evaluated: 2025-10-20. Review status: criteria provided, single submitter. Criteria: Invitae Variant Classification Sherloc (09022015). Collection method: clinical testing. Allele origin: germline.
Comment: This sequence change affects a donor splice site in intron 13 of the ANO5 gene. It is expected to disrupt RNA splicing. Variants that disrupt the donor or acceptor splice site typically lead to a loss of protein function (PMID: 16199547), and loss-of-function variants in ANO5 are known to be pathogenic (PMID: 21186264, 23606453, 25891276, 30919934). This variant is not present in population databases (gnomAD no frequency). This variant has not been reported in the literature in individuals affected with ANO5-related conditions. Algorithms developed to predict the effect of sequence changes on RNA splicing suggest that this variant may disrupt the consensus splice site. In summary, the currently available evidence indicates that the variant is pathogenic, but additional data are needed to prove that conclusively. Therefore, this variant has been classified as Likely Pathogenic.

Literature cited by the submitters: PubMed 16199547; PubMed 21186264; PubMed 23606453; PubMed 25891276; PubMed 30919934.